The following is an entry in ClinVar:

ClinVar aggregate classification (germline): Uncertain significance. Review status: criteria provided, multiple submitters, no conflicts (2 of 4 stars). 2 submissions from 2 submitters: Uncertain significance (2). Last evaluated 2025-11-26.

Conditions:
Inborn genetic diseases. Identifiers: MedGen C0950123, MeSH D030342.

Allele frequency attached by ClinVar (database versions not stated): gnomAD 0.00001; ExAC 0.00002; gnomAD exomes 0.00002; TOPMed 0.00002; ESP Exome Variant Server 0.00015.
gnomAD v4.1: 38 of 1,613,948 alleles (0.0024%); highest among the groups gnomAD compares: Middle Eastern, 0.016%; no homozygotes.

Submissions (2):

Ambry Genetics
Classification: Uncertain significance for Inborn genetic diseases. Last evaluated: 2025-11-26. Review status: criteria provided, single submitter. Criteria: Ambry Variant Classification Scheme 2023. Collection method: clinical testing. Allele origin: germline.

Labcorp Genetics (formerly Invitae), Labcorp
Classification: Uncertain significance. Last evaluated: 2024-12-24. Review status: criteria provided, single submitter. Criteria: Invitae Variant Classification Sherloc (09022015). Collection method: clinical testing. Allele origin: germline.
Comment: This sequence change replaces methionine, which is neutral and non-polar, with valine, which is neutral and non-polar, at codon 91 of the RBFOX2 protein (p.Met91Val). This variant is present in population databases (rs151250267, gnomAD 0.004%). This variant has not been reported in the literature in individuals affected with RBFOX2-related conditions. ClinVar contains an entry for this variant (Variation ID: 2510194). An algorithm developed to predict the effect of missense changes on protein structure and function (PolyPhen-2) suggests that this variant is likely to be tolerated. In summary, the available evidence is currently insufficient to determine the role of this variant in disease. Therefore, it has been classified as a Variant of Uncertain Significance.

NM_001349999.2(RBFOX2):c.271A>G (p.Met91Val)

Gene: RBFOX2 (RNA binding fox-1 homolog 2; minus strand). Cytogenetic location: 22q12.3.
Variant type: single nucleotide variant.
Coding change: c.271A>G on transcript NM_001349999.2 (MANE Select); coding-DNA position 271, A replaced by G.
Protein change: p.Met91Val; replaces methionine 91 with valine.
Molecular consequence: missense variant.
Genome position (GRCh38, 1-based): chr22:35,809,971, T>C on the plus strand (A>G on the coding strand, the complement: RBFOX2 is on the minus strand). VCF-style: chr22-35809971-T-C. GRCh37 (hg19) VCF-style: chr22-36206018-T-C.
Other names: c.61A>G, p.Met21Val (NM_001031695.4, NM_001082576.3, NM_001082577.3 and 4 more transcripts); c.271A>G, p.Met91Val (NM_001082578.4, NM_001082579.3, NM_001394108.1 and 7 more transcripts); c.127A>G, p.Met43Val (NM_001349982.2, NM_001349989.2, NM_001349990.2 and 5 more transcripts); short protein forms M21V, M43V, M91V.
Identifiers: ClinVar variation 2510194 (VCV002510194.5), dbSNP rs151250267, ClinGen allele CA10207040.